The following is an entry in ClinVar:

ClinVar aggregate classification (germline): Uncertain significance (1 of 4 stars; one submission).

Submission:

GeneDx
Classification: Uncertain significance. Last evaluated: 2022-04-22. Review status: criteria provided, single submitter. Criteria: GeneDx Variant Classification Process June 2021. Collection method: clinical testing. Allele origin: germline. Affected: yes.
Comment: Not observed at significant frequency in large population cohorts (gnomAD); In silico analysis supports that this missense variant has a deleterious effect on protein structure/function; Has not been previously published as pathogenic or benign to our knowledge

NM_005121.3(MED13):c.3421T>G (p.Phe1141Val)

Gene: MED13 (mediator complex subunit 13; minus strand). Cytogenetic location: 17q23.2.
Variant type: single nucleotide variant.
Coding change: c.3421T>G on transcript NM_005121.3 (MANE Select); coding-DNA position 3421, T replaced by G.
Protein change: p.Phe1141Val; replaces phenylalanine 1141 with valine.
Molecular consequence: missense variant.
Genome position (GRCh38, 1-based): chr17:61,982,582, A>C on the plus strand (T>G on the coding strand, the complement: MED13 is on the minus strand). VCF-style: chr17-61982582-A-C. GRCh37 (hg19) VCF-style: chr17-60059943-A-C.
Other names: short protein forms F1141V.
Identifiers: ClinVar variation 1711896 (VCV001711896.2), dbSNP rs2509276611, ClinGen allele CA400504080.
Genomic context (GRCh38, chr17:61,982,582, plus strand): 5'-TTTCTGCTTCTTTGCCACAGTCTGTATTGCGTCCTATGATATCTAGTTCATCTTCAAGAA[A>C]TAATCCTGAATTGTTTCCAAATTTTCTGTTCATGACAGCACTGAAGCCACAGGTACACCT-3'
Protein context (NP_005112.2, residues 1131-1151): NRKFGNNSGL[Phe1141Val]LEDELDIIGR